The following is an entry in ClinVar:

ClinVar aggregate classification (germline): Pathogenic (1 of 4 stars; one submission).

Conditions:
Ataxia-telangiectasia syndrome (AT). Also called: Ataxia-telangiectasia, complementation group D; AT, COMPLEMENTATION GROUP C; ATAXIA-TELANGIECTASIA, COMPLEMENTATION GROUP A; ATAXIA-TELANGIECTASIA, FRESNO VARIANT; Ataxia-telangiectasia; Ataxia-telangiectasia, complementation group E. Identifiers: Orphanet 100, MedGen C0004135, MONDO:0008840, OMIM 208900.

Submission:

Labcorp Genetics (formerly Invitae), Labcorp
Classification: Pathogenic for Ataxia-telangiectasia syndrome. Last evaluated: 2025-04-11. Review status: criteria provided, single submitter. Criteria: Invitae Variant Classification Sherloc (09022015). Collection method: clinical testing. Allele origin: germline.
Comment: This sequence change creates a premature translational stop signal (p.Lys2266Serfs*41) in the ATM gene. It is expected to result in an absent or disrupted protein product. Loss-of-function variants in ATM are known to be pathogenic (PMID: 23807571, 25614872). This variant is not present in population databases (gnomAD no frequency). This variant has not been reported in the literature in individuals affected with ATM-related conditions. For these reasons, this variant has been classified as Pathogenic.

Literature cited by the submitters: PubMed 23807571; PubMed 25614872.

NM_000051.4(ATM):c.6797_6806del (p.Lys2266fs)

Genes: ATM (ATM serine/threonine kinase; plus strand), C11orf65 (chromosome 11 open reading frame 65; minus strand). Cytogenetic location: 11q22.3.
Variant type: Deletion.
Coding change: c.6797_6806del on transcript NM_000051.4 (MANE Select); coding-DNA positions 6797 to 6806, 10 bases deleted (AGAACACTCA; older notation c.6797_6806delAGAACACTCA).
Protein change: p.Lys2266fs; shifts the reading frame from lysine 2266.
Molecular consequence: frameshift variant. On other transcripts: intron variant (2).
Genome position (GRCh38, 1-based): chr11:108,325,534-108,325,543, AGAACACTCA deleted; deleting any 10 consecutive bases within chr11:108,325,531-108,325,543 gives the same sequence; the c. name uses the placement nearest the transcript's 3' end. VCF-style (leftmost placement, unchanged base first): chr11-108325530-TTCAAGAACAC-T. GRCh37 (hg19) VCF-style: chr11-108196257-TTCAAGAACAC-T.
Other names: c.6797_6806del, p.Lys2266fs (NM_001351834.2); c.641-16469_641-16460del (NM_001330368.2); c.*38+9680_*38+9689del (NM_001351110.2); short protein forms K2266fs.
Identifiers: ClinVar variation 4716548 (VCV004716548.1).